The following is an entry in ClinVar:

NM_014874.4(MFN2):c.175+1G>A

Gene: MFN2 (mitofusin 2; plus strand). Cytogenetic location: 1p36.22.
Variant type: single nucleotide variant.
Coding change: c.175+1G>A on transcript NM_014874.4 (MANE Select); the canonical splice donor site of the intron after coding-DNA position 175, G replaced by A.
Molecular consequence: splice donor variant.
Genome position (GRCh38, 1-based): chr1:11,989,344, G>A. VCF-style: chr1-11989344-G-A. GRCh37 (hg19) VCF-style: chr1-12049401-G-A.
Other names: c.175+1G>A (NM_001127660.2).
Identifiers: ClinVar variation 4722383 (VCV004722383.1).

ClinVar aggregate classification (germline): Likely pathogenic (1 of 4 stars; one submission).

Conditions:
Charcot-Marie-Tooth disease type 2. Also called: Charcot-Marie-Tooth type 2. Identifiers: Orphanet 64746, MedGen C0270914, MONDO:0018993.

Submission:

Labcorp Genetics (formerly Invitae), Labcorp
Classification: Likely pathogenic for Charcot-Marie-Tooth disease type 2. Last evaluated: 2025-06-30. Review status: criteria provided, single submitter. Criteria: Invitae Variant Classification Sherloc (09022015). Collection method: clinical testing. Allele origin: germline.
Comment: This sequence change affects a donor splice site in intron 3 of the MFN2 gene. It is expected to disrupt RNA splicing. Variants that disrupt the donor or acceptor splice site typically lead to a loss of protein function (PMID: 16199547), and loss-of-function variants in MFN2 are known to be pathogenic (PMID: 16714318, 16835246, 21715711, 23781337, 26955893). This variant is not present in population databases (gnomAD no frequency). This variant has not been reported in the literature in individuals affected with MFN2-related conditions. Algorithms developed to predict the effect of sequence changes on RNA splicing suggest that this variant may disrupt the consensus splice site. In summary, the currently available evidence indicates that the variant is pathogenic, but additional data are needed to prove that conclusively. Therefore, this variant has been classified as Likely Pathogenic.

Literature cited by the submitters: PubMed 16199547; PubMed 16714318; PubMed 16835246; PubMed 21715711; PubMed 23781337; PubMed 26955893.